The following is an entry in ClinVar:

ClinVar aggregate classification (germline): Benign/Likely benign. Review status: criteria provided, multiple submitters, no conflicts (2 of 4 stars). 15 submissions from 15 submitters: Benign (4); Likely benign (9). 2 of the submissions do not count toward it. Last evaluated 2026-03-30.

Conditions:
Familial adenomatous polyposis 4 (FAP4). Also called: MSH3-related attenuated familial adenomatous polyposis. Identifiers: Orphanet 480536, MedGen C4310719, MONDO:0044300, OMIM 617100.
MSH3-related disorder. Also called: MSH3-related condition.
Endometrial carcinoma. Also called: Endometrial carcinoma, somatic. Identifiers: MedGen C0476089, MONDO:0002447, OMIM 608089, HP:0012114.
Hereditary cancer-predisposing syndrome. Also called: Hereditary neoplastic syndrome; Tumor predisposition; Hereditary Cancer Syndrome; Neoplastic Syndromes, Hereditary. Identifiers: Orphanet 140162, MedGen C0027672, MeSH D009386, MONDO:0015356.

Allele frequency attached by ClinVar (database versions not stated): ExAC 0.00232; ESP Exome Variant Server 0.00792; gnomAD 0.00789 and 0.00751; TOPMed 0.00834; gnomAD exomes 0.00068 and 0.00196; 1000 Genomes Project 0.00659.
gnomAD v4.1: 2,131 of 1,536,188 alleles (0.14%); highest among the groups gnomAD compares: African/African-American, 2.5%; 25 homozygotes.

Submissions (15):

Dasa
Classification: Likely benign. Last evaluated: 2026-03-30. Review status: criteria provided, single submitter. Criteria: DASA Assertion Criteria. Collection method: clinical testing. Allele origin: germline.
Comment: NM_002439.5(MSH3):c.1567G>A (p.Glu523Lys) is interpreted based on available population and clinical evidence, including population frequency and no convincing observation in affected individuals. Based on the available data, this variant is classified as likely benign.

Myriad Genetics, Inc.
Classification: Likely benign for Familial adenomatous polyposis 4. Last evaluated: 2026-03-04. Review status: criteria provided, single submitter. Criteria: Myriad Autosomal Dominant, Autosomal Recessive and X-Linked Classification Criteria (2023). Collection method: clinical testing. Allele origin: unknown.
Comment: This variant is considered likely benign. This variant has been observed at a population frequency that is significantly greater than expected given the associated disease prevalence and penetrance.

Labcorp Genetics (formerly Invitae), Labcorp
Classification: Benign. Last evaluated: 2026-02-04. Review status: criteria provided, single submitter. Criteria: Invitae Variant Classification Sherloc (09022015). Collection method: clinical testing. Allele origin: germline.

Genomic Medicine Center of Excellence, King Faisal Specialist Hospital and Research Centre
Classification: Likely benign. Last evaluated: 2025-08-18. Review status: criteria provided, single submitter. Criteria: ACMG Guidelines, 2015. Collection method: clinical testing. Allele origin: germline.

Mayo Clinic Laboratories, Mayo Clinic
Classification: Likely benign. Last evaluated: 2025-07-23. Review status: criteria provided, single submitter. Criteria: ACMG Guidelines, 2015. Collection method: clinical testing. Allele origin: germline. Observed: 3 variant alleles.
Comment: BS1, BP4

Quest Diagnostics Nichols Institute San Juan Capistrano
Classification: Benign. Last evaluated: 2025-06-05. Review status: criteria provided, single submitter. Criteria: Quest Diagnostics criteria. Collection method: clinical testing. Allele origin: unknown.

Center for Genomic Medicine, Rigshospitalet, Copenhagen University Hospital
Classification: Benign. Last evaluated: 2025-03-04. Review status: criteria provided, single submitter. Criteria: ACMG Guidelines, 2015. Collection method: clinical testing. Allele origin: germline.

ARUP Laboratories, Molecular Genetics and Genomics, ARUP Laboratories
Classification: Likely benign. Last evaluated: 2023-11-06. Review status: criteria provided, single submitter. Criteria: ARUP Molecular Germline Variant Investigation Process 2024. Collection method: clinical testing. Allele origin: germline.

Fulgent Genetics
Classification: Likely benign for Endometrial carcinoma; Familial adenomatous polyposis 4. Last evaluated: 2021-11-24. Review status: criteria provided, single submitter. Criteria: ACMG Guidelines, 2015. Collection method: clinical testing. Allele origin: unknown.

Genetic Services Laboratory, University of Chicago
Classification: Benign. Last evaluated: 2021-10-25. Review status: criteria provided, single submitter. Criteria: ACMG Guidelines, 2015. Collection method: clinical testing. Allele origin: germline. Affected: no.

GeneDx
Classification: Likely benign. Last evaluated: 2021-06-21. Review status: criteria provided, single submitter. Criteria: GeneDx Variant Classification Process June 2021. Collection method: clinical testing. Allele origin: germline. Affected: yes.

Ambry Genetics
Classification: Likely benign for Hereditary cancer-predisposing syndrome. Last evaluated: 2018-10-01. Review status: criteria provided, single submitter. Criteria: Ambry Variant Classification Scheme 2023. Collection method: clinical testing. Allele origin: germline.

Breakthrough Genomics
Classification: Likely benign. Review status: criteria provided, single submitter. Criteria: ACMG Guidelines, 2015. Collection method: not provided. Allele origin: germline. Inheritance: Autosomal recessive inheritance. Affected: yes.

PreventionGenetics, part of Exact Sciences
Classification: Benign for MSH3-related condition. Last evaluated: 2019-03-26. Review status: no assertion criteria provided. Collection method: clinical testing. Allele origin: germline. Not counted in ClinVar's aggregate classification.
Comment: This variant is classified as benign based on ACMG/AMP sequence variant interpretation guidelines (Richards et al. 2015 PMID: 25741868, with internal and published modifications).

Department of Pathology and Laboratory Medicine, Sinai Health System
Classification: Uncertain significance. Review status: no assertion criteria provided. Collection method: clinical testing. Allele origin: unknown. Affected: yes. Study: The Canadian Open Genetics Repository (COGR). Not counted in ClinVar's aggregate classification.
Comment: The MSH3 p.Glu523Lys variant was identified in the literature in 15 of 2462 proband chromosomes (frequency: 0.0061) from individuals with colorectal cancer (CRC) and was not identified in 186 control chromosomes from healthy individuals (DeRycke_2017_PMID: 28944238). The variant was also identified in dbSNP (ID: rs34058399) and LOVD 3.0. The variant was not identified in ClinVar, the Insight Colon Cancer Gene Variant Database, the Insight Hereditary Tumors Database or Cosmic. The variant was identified in control databases in 716 of 280904 chromosomes (7 homozygous) at a frequency of 0.002549 increasing the likelihood this could be a low frequency benign variant (Genome Aggregation Database Feb 27, 2017). The variant was observed in the following populations: African in 655 of 24526 chromosomes (freq: 0.02671), Latino in 42 of 35108 chromosomes (freq: 0.001196), Other in 6 of 7170 chromosomes (freq: 0.000837), European (non-Finnish) in 11 of 128728 chromosomes (freq: 0.000085) and South Asian in 2 of 30242 chromosomes (freq: 0.000066); it was not observed in the Ashkenazi Jewish, East Asian, and European (Finnish) populations. The variant was identified in a cohort of patients with colorectal cancer and controls without CRC, and classified as a variant of uncertain significance (DeRycke_2017_PMID: 28944238). The p.Glu523 residue is not conserved in mammals and five out of five computational analyses (PolyPhen-2, SIFT, AlignGVGD, BLOSUM, and MutationTaster) do not suggest a high likelihood of impact to the protein; however, this information is not predictive enough to rule out pathogenicity. The p.Glu523Lys variant occurs in the second last base of the exon. This position has been shown to be part of the splicing consensus sequence and variants involving this position sometimes affect splicing. However, in silico or computational prediction software programs (SpliceSiteFinder, MaxEntScan, NNSPLICE, and GeneSplicer) do not predict a difference in splicing. In summary, based on the above information the clinical significance of this variant cannot be determined with certainty at this time. This variant is classified as a variant of uncertain significance.

Literature cited by the submitters: PubMed 33007869 (cited by Quest Diagnostics Nichols Institute San Juan Capistrano).

NM_002439.5(MSH3):c.1567G>A (p.Glu523Lys)

Gene: MSH3 (mutS homolog 3; plus strand). Cytogenetic location: 5q14.1.
Variant type: single nucleotide variant.
Coding change: c.1567G>A on transcript NM_002439.5 (MANE Select); coding-DNA position 1567, G replaced by A.
Protein change: p.Glu523Lys; replaces glutamic acid 523 with lysine.
Molecular consequence: missense variant.
Genome position (GRCh38, 1-based): chr5:80,728,964, G>A. VCF-style: chr5-80728964-G-A. GRCh37 (hg19) VCF-style: chr5-80024783-G-A.
Other names: p.Glu523Lys; short protein forms E523K.
Identifiers: ClinVar variation 780543 (VCV000780543.47), dbSNP rs34058399, ClinGen allele CA3327954.
Genomic context (GRCh38, chr5:80,728,964, plus strand): 5'-TTGGCTGCCATCATAAAATACCTCAAAGAATTCAACTTGGAAAAGATGCTCTCCAAACCT[G>A]AGTAAGTGATTCCTCCAAAATTAAAAAAAGGGGGAGCTTATATTATGAACATTTCTTAAA-3'
Protein context (NP_002430.3, residues 513-533): FNLEKMLSKP[Glu523Lys]NFKQLSSKME